The following is an entry in ClinVar:

ClinVar aggregate classification (germline): Likely benign (0 of 4 stars; one submission).

Conditions:
MYO6-related disorder. Also called: MYO6-related disorders; MYO6-related condition.

Allele frequency attached by ClinVar (database versions not stated): gnomAD 0.00001; gnomAD exomes 0.00001; TOPMed 0.00001.
gnomAD v4.1: 20 of 1,590,318 alleles (0.0013%); highest among the groups gnomAD compares: Non-Finnish European, 0.0015%; no homozygotes.

Submission:

PreventionGenetics, part of Exact Sciences
Classification: Likely benign for MYO6-related condition. Last evaluated: 2022-01-16. Review status: no assertion criteria provided. Collection method: clinical testing. Allele origin: germline.
Comment: This variant is classified as likely benign based on ACMG/AMP sequence variant interpretation guidelines (Richards et al. 2015 PMID: 25741868, with internal and published modifications).

NM_004999.4(MYO6):c.2946+8C>T

Gene: MYO6 (myosin VI; plus strand). Cytogenetic location: 6q14.1.
Variant type: single nucleotide variant.
Coding change: c.2946+8C>T on transcript NM_004999.4 (MANE Select); 8 bases into the intron after coding-DNA position 2946, C replaced by T.
Molecular consequence: intron variant.
Genome position (GRCh38, 1-based): chr6:75,891,314, C>T. VCF-style: chr6-75891314-C-T. GRCh37 (hg19) VCF-style: chr6-76601031-C-T.
Other names: c.2946+8C>T (NM_001368865.1, NM_001368866.1, NM_001368137.1 and 2 more transcripts); c.2931+8C>T (NM_001368138.1).
Identifiers: ClinVar variation 3054242 (VCV003054242.2), dbSNP rs971454695, ClinGen allele CA141087470.